The following is an entry in ClinVar:

NM_000179.3(MSH6):c.3005G>T (p.Gly1002Val)

Gene: MSH6 (mutS homolog 6; plus strand). Cytogenetic location: 2p16.3.
Variant type: single nucleotide variant.
Coding change: c.3005G>T on transcript NM_000179.3 (MANE Select); coding-DNA position 3005, G replaced by T.
Protein change: p.Gly1002Val; replaces glycine 1002 with valine.
Molecular consequence: missense variant.
Genome position (GRCh38, 1-based): chr2:47,800,988, G>T. VCF-style: chr2-47800988-G-T. GRCh37 (hg19) VCF-style: chr2-48028127-G-T.
Other names: c.2615G>T, p.Gly872Val (NM_001281492.2); c.2099G>T, p.Gly700Val (NM_001281493.2, NM_001281494.2); short protein forms G700V, G872V, G1002V.
Identifiers: ClinVar variation 644599 (VCV000644599.12), dbSNP rs1064794070, ClinGen allele CA346756408.

ClinVar aggregate classification (germline): Uncertain significance. Review status: criteria provided, multiple submitters, no conflicts (2 of 4 stars). 3 submissions from 3 submitters: Uncertain significance (3). Last evaluated 2026-08-21.

Conditions:
Lynch syndrome. Identifiers: Orphanet 144, MedGen C4552100, MONDO:0005835. Disease mechanism: loss of function.
Hereditary nonpolyposis colorectal neoplasms. Identifiers: MedGen C0009405, MeSH D003123.
Hereditary cancer-predisposing syndrome. Also called: Neoplastic Syndromes, Hereditary; Hereditary Cancer Syndrome; Hereditary neoplastic syndrome; Tumor predisposition. Identifiers: Orphanet 140162, MedGen C0027672, MeSH D009386, MONDO:0015356.

Submissions (3):

Ambry Genetics
Classification: Uncertain significance for Hereditary cancer-predisposing syndrome. Last evaluated: 2026-08-21. Review status: criteria provided, single submitter. Criteria: Ambry Variant Classification Scheme 2023. Collection method: clinical testing. Allele origin: germline.
Comment: The p.G1002V variant (also known as c.3005G>T), located in coding exon 4 of the MSH6 gene, results from a G to T substitution at nucleotide position 3005. The glycine at codon 1002 is replaced by valine, an amino acid with dissimilar properties. This amino acid position is conserved. In addition, this alteration is predicted to be deleterious by in silico analysis. Based on the available evidence, the clinical significance of this variant remains unclear.

Labcorp Genetics (formerly Invitae), Labcorp
Classification: Uncertain significance for Hereditary nonpolyposis colorectal neoplasms. Last evaluated: 2024-04-29. Review status: criteria provided, single submitter. Criteria: Invitae Variant Classification Sherloc (09022015). Collection method: clinical testing. Allele origin: germline.
Comment: This sequence change replaces glycine, which is neutral and non-polar, with valine, which is neutral and non-polar, at codon 1002 of the MSH6 protein (p.Gly1002Val). This variant is not present in population databases (gnomAD no frequency). This variant has not been reported in the literature in individuals affected with MSH6-related conditions. ClinVar contains an entry for this variant (Variation ID: 644599). Advanced modeling of protein sequence and biophysical properties (such as structural, functional, and spatial information, amino acid conservation, physicochemical variation, residue mobility, and thermodynamic stability) has been performed at Invitae for this missense variant, however the output from this modeling did not meet the statistical confidence thresholds required to predict the impact of this variant on MSH6 protein function. In summary, the available evidence is currently insufficient to determine the role of this variant in disease. Therefore, it has been classified as a Variant of Uncertain Significance.

All of Us Research Program, National Institutes of Health
Classification: Uncertain significance for Lynch syndrome. Last evaluated: 2023-10-06. Review status: criteria provided, single submitter. Criteria: ACMG Guidelines, 2015. Collection method: clinical testing. Allele origin: germline. Inheritance: Autosomal dominant inheritance. Observed: 1 variant allele, 1 heterozygote.
Comment: This missense variant replaces glycine with valine at codon 1002 of the MSH6 protein. Computational prediction suggests that this variant may have deleterious impact on protein structure and function (internally defined REVEL score threshold >= 0.7, PMID: 27666373). Splice site prediction tools suggest that this variant may impact RNA splicing. To our knowledge, functional studies have not been reported for this variant. This variant has not been reported in individuals affected with MSH6-related disorders in the literature. This variant has not been identified in the general population by the Genome Aggregation Database (gnomAD). The available evidence is insufficient to determine the role of this variant in disease conclusively. Therefore, this variant is classified as a Variant of Uncertain Significance.

This study involves interpretation of variants in research participants for the purpose of population health screening. Participant phenotype was not available at the time of variant classification. Additional details can be found in publication PMID: 35346344, PMCID: PMC8962531